The following is an entry in ClinVar:

ClinVar aggregate classification (germline): Likely benign. Review status: criteria provided, multiple submitters, no conflicts (2 of 4 stars). 3 submissions from 3 submitters: Likely benign (3). Last evaluated 2026-07-01.

Allele frequency attached by ClinVar (database versions not stated): gnomAD exomes 0.00001; gnomAD 0.00002; TOPMed 0.00002.
gnomAD v4.1: 19 of 1,613,976 alleles (0.0012%); highest among the groups gnomAD compares: East Asian, 0.0022%; no homozygotes.

Submissions (3):

CeGaT Center for Human Genetics Tuebingen
Classification: Likely benign. Last evaluated: 2026-07-01. Review status: criteria provided, single submitter. Criteria: CeGaT Center For Human Genetics Tuebingen Variant Classification Criteria Version 2. Collection method: clinical testing. Allele origin: germline. Affected: yes. Observed: 1 variant allele.
Comment: CFI: BP4, BP7

Labcorp Genetics (formerly Invitae), Labcorp
Classification: Likely benign. Last evaluated: 2025-07-27. Review status: criteria provided, single submitter. Criteria: Invitae Variant Classification Sherloc (09022015). Collection method: clinical testing. Allele origin: germline.

Blueprint Genetics
Classification: Likely benign. Last evaluated: 2024-09-03. Review status: criteria provided, single submitter. Criteria: ACMG Guidelines, 2015. Collection method: clinical testing. Allele origin: germline.

NM_000204.5(CFI):c.627C>T (p.Phe209=)

Gene: CFI (complement factor I; minus strand). Cytogenetic location: 4q25.
Variant type: single nucleotide variant.
Coding change: c.627C>T on transcript NM_000204.5 (MANE Select); coding-DNA position 627, C replaced by T.
Protein change: p.Phe209=; no amino-acid change (phenylalanine 209 retained).
Molecular consequence: synonymous variant. On other transcripts: non-coding transcript variant (3).
Genome position (GRCh38, 1-based): chr4:109,761,548, G>A on the plus strand (C>T on the coding strand, the complement: CFI is on the minus strand). VCF-style: chr4-109761548-G-A. GRCh37 (hg19) VCF-style: chr4-110682704-G-A.
Other names: c.627C>T, p.Phe209= (NM_001318057.2, NM_001331035.2, NM_001375278.1 and 5 more transcripts); c.18C>T, p.Phe6= (NM_001375284.1).
Identifiers: ClinVar variation 2984829 (VCV002984829.5), dbSNP rs868123583, ClinGen allele CA103696014.